The following is an entry in ClinVar:

NM_002016.2(FLG):c.622G>T (p.Glu208Ter)

Genes: CCDST (cervical cancer associated DHX9 suppressive transcript; plus strand), FLG (filaggrin; minus strand). Cytogenetic location: 1q21.3.
Variant type: single nucleotide variant.
Coding change: c.622G>T on transcript NM_002016.2 (MANE Select); coding-DNA position 622, G replaced by T.
Protein change: p.Glu208Ter; replaces glutamic acid 208 with a stop codon.
Molecular consequence: nonsense.
Genome position (GRCh38, 1-based): chr1:152,314,264, C>A on the plus strand (G>T on the coding strand, the complement: FLG is on the minus strand). VCF-style: chr1-152314264-C-A. GRCh37 (hg19) VCF-style: chr1-152286740-C-A.
Other names: short protein forms E208*.
Identifiers: ClinVar variation 5007771 (VCV005007771.2).

ClinVar aggregate classification (germline): Uncertain significance (1 of 4 stars; one submission).

Conditions:
Ichthyosis vulgaris. Also called: ICHTHYOSIS SIMPLEX; Dominant ichthyosis vulgaris. Identifiers: MedGen C0079584, MONDO:0024304, OMIM 146700.
Dermatitis, atopic, 2. Identifiers: MedGen C1853965, MONDO:0011596, OMIM 605803.

Submission:

Juno Genomics, Hangzhou Juno Genomics, Inc
Classification: Uncertain significance for Dermatitis, atopic, 2; Ichthyosis vulgaris. Review status: criteria provided, single submitter. Criteria: ACMG Guidelines, 2015. Collection method: clinical testing. Allele origin: germline.
Comment: Null variant in a gene where loss of function (LOF) is a known mechanism of disease.;Absent from controls (or at extremely low frequency if recessive) in Genome Aggregation Database.